The following is an entry in ClinVar:

NM_001379500.1(COL18A1):c.651+6C>T

Gene: COL18A1 (collagen type XVIII alpha 1 chain; plus strand). Cytogenetic location: 21q22.3.
Variant type: single nucleotide variant.
Coding change: c.651+6C>T on transcript NM_001379500.1 (MANE Select); 6 bases into the intron after coding-DNA position 651, C replaced by T.
Molecular consequence: intron variant.
Genome position (GRCh38, 1-based): chr21:45,468,792, C>T. VCF-style: chr21-45468792-C-T. GRCh37 (hg19) VCF-style: chr21-46888706-C-T.
Other names: NM_130445.2:c.651+6C>T; c.1896+6C>T (NM_130444.3); c.1191+6C>T (NM_030582.4, NM_030582.3).
Identifiers: ClinVar variation 340199 (VCV000340199.6), dbSNP rs755778352, ClinGen allele CA10065813.

ClinVar aggregate classification (germline): Conflicting classifications of pathogenicity. Review status: criteria provided, conflicting classifications (1 of 4 stars). 2 submissions from 2 submitters: Uncertain significance (1); Likely benign (1). Last evaluated 2025-02-19.

Conditions:
Knobloch syndrome (KNO). Also called: RETINAL DETACHMENT AND OCCIPITAL ENCEPHALOCELE; Myopia retinal detachment encephalocele. Identifiers: Orphanet 1571, MedGen C1849409, MONDO:0800166.
COL18A1-related disorder. Also called: COL18A1-related condition; COL18A1-related disorders.

gnomAD v4.1: 8 of 1,584,978 alleles (0.0005%); highest among the groups gnomAD compares: African/African-American, 0.0027%; no homozygotes.

Submissions (2):

PreventionGenetics, part of Exact Sciences
Classification: Likely benign for COL18A1-related condition. Last evaluated: 2025-02-19. Review status: criteria provided, single submitter. Criteria: ACMG Guidelines, 2015. Collection method: clinical testing. Allele origin: germline.
Comment: This variant is classified as likely benign based on ACMG/AMP sequence variant interpretation guidelines (Richards et al. 2015 PMID: 25741868, with internal and published modifications).

Illumina Laboratory Services, Illumina
Classification: Uncertain significance for Knobloch syndrome 1. Last evaluated: 2018-01-13. Review status: criteria provided, single submitter. Criteria: ICSL Variant Classification Criteria 13 December 2019. Collection method: clinical testing. Allele origin: germline.